The following is an entry in ClinVar:

ClinVar aggregate classification (germline): Conflicting classifications of pathogenicity. Review status: criteria provided, conflicting classifications (1 of 4 stars). 19 submissions from 15 submitters: Uncertain significance (4); Benign (5); Likely benign (6). 4 of the submissions do not count toward it. Last evaluated 2026-08-01.

Conditions:
Cardiovascular phenotype. Identifiers: MedGen CN230736.
Dilated cardiomyopathy 1G (CMD1G). Identifiers: Orphanet 154, MedGen C1858763, MONDO:0011400, OMIM 604145.
Autosomal recessive limb-girdle muscular dystrophy type 2J (LGMDR10). Also called: Limb-girdle muscular dystrophy, type 2J; MUSCULAR DYSTROPHY, LIMB-GIRDLE, AUTOSOMAL RECESSIVE 10. Identifiers: Orphanet 140922, MedGen C1837342, MONDO:0012127, OMIM 608807.
Ventricular tachycardia. Identifiers: MedGen C0042514, MONDO:0005477, HP:0004756.
Cardiomyopathy (CMYO). Also called: Cardiomyopathies. Identifiers: Orphanet 167848, MedGen C0878544, MONDO:0004994, HP:0001638. Inheritance: Various modes of inheritance.
Early-onset myopathy with fatal cardiomyopathy (CMYO5). Also called: Salih Myopathy; CONGENITAL MYOPATHY 5 WITH CARDIOMYOPATHY. Identifiers: Orphanet 289377, MedGen C2673677, MONDO:0012714, OMIM 611705. Disease mechanism: loss of function.
Myopathy, myofibrillar, 9, with early respiratory failure (MFM9). Also called: Hereditary myopathy with early respiratory failure; MYOPATHY, PROXIMAL, WITH EARLY RESPIRATORY MUSCLE INVOLVEMENT; Myopathy, distal, with early respiratory failure, autosomal dominant; EDSTROM MYOPATHY. Identifiers: Orphanet 178464, Orphanet 34521, MedGen C1863599, MONDO:0011362, OMIM 603689.
Tibial muscular dystrophy (TMD). Also called: UDD MYOPATHY; Tibial muscular dystrophy, tardive; Udd Distal Myopathy – Tibial Muscular Dystrophy. Identifiers: Orphanet 609, MedGen C1838244, MONDO:0010870, OMIM 600334.

Allele frequency attached by ClinVar (database versions not stated): gnomAD exomes 0.00005 and 0.00021; ESP Exome Variant Server 0.00008; TOPMed 0.00032; 1000 Genomes Project 30x 0.00094; ExAC 0.00018; gnomAD 0.00023; 1000 Genomes Project 0.00100.
gnomAD v4.1: 173 of 1,613,314 alleles (0.011%); highest among the groups gnomAD compares: East Asian, 0.18%; no homozygotes.

Submissions (19):

CeGaT Center for Human Genetics Tuebingen
Classification: Likely benign. Last evaluated: 2026-08-01. Review status: criteria provided, single submitter. Criteria: CeGaT Center For Human Genetics Tuebingen Variant Classification Criteria Version 2. Collection method: clinical testing. Allele origin: germline. Affected: yes. Observed: 1 variant allele.
Comment: TTN: BP4

Labcorp Genetics (formerly Invitae), Labcorp
Classification: Likely benign for Dilated cardiomyopathy 1G; Autosomal recessive limb-girdle muscular dystrophy type 2J. Last evaluated: 2026-01-20. Review status: criteria provided, single submitter. Criteria: Invitae Variant Classification Sherloc (09022015). Collection method: clinical testing. Allele origin: germline.

Blueprint Genetics
Classification: Likely benign. Last evaluated: 2024-10-28. Review status: criteria provided, single submitter. Criteria: ACMG Guidelines, 2015. Collection method: clinical testing. Allele origin: germline.

CHEO Genetics Diagnostic Laboratory, Children's Hospital of Eastern Ontario
Classification: Benign for Cardiomyopathy. Last evaluated: 2020-09-08. Review status: criteria provided, single submitter. Criteria: ACMG Guidelines, 2015. Collection method: clinical testing. Allele origin: germline. Study: Canadian Open Genetics Repository.

Ambry Genetics
Classification: Likely benign for Cardiovascular phenotype. Last evaluated: 2020-07-27. Review status: criteria provided, single submitter. Criteria: Ambry Autosomal Dominant and X-Linked criteria (7/2020). Collection method: clinical testing. Allele origin: germline. Observed: 1 variant allele.
Comment: In silico models in agreement (benign);Subpopulation frequency in support of benign classification

Women's Health and Genetics/Laboratory Corporation of America, LabCorp
Classification: Benign. Last evaluated: 2019-11-05. Review status: criteria provided, single submitter. Criteria: LabCorp Variant Classification Summary - May 2015. Collection method: clinical testing. Allele origin: germline.
Comment: Variant summary: TTN c.51640+3G>A alters a non-conserved nucleotide located close to a canonical splice site and therefore could affect mRNA splicing, leading to a significantly altered protein sequence. 4/4 computational tools predict no significant impact on normal splicing. However, these predictions have yet to be confirmed by functional studies. The variant allele was found at a frequency of 0.00021 in 247976 control chromosomes, predominantly at a frequency of 0.0023 within the East Asian subpopulation in the gnomAD database. The observed variant frequency within East Asian control individuals in the gnomAD database is approximately 3.7 fold the estimated maximal expected allele frequency for a pathogenic variant in TTN causing Cardiomyopathy phenotype (0.00063), strongly suggesting that the variant is a benign polymorphism found primarily in populations of East Asian origin. c.51640+3G>A has been reported in the literature in individuals affected with cardiac hypertrophy without strong evidence for causality (Zhang_2017). This report does not provide unequivocal conclusions about association of the variant with Cardiomyopathy. Co-occurrence with another pathogenic variant has been reported (MYBPC3 c.1928-2A>G; Zhang_2017), providing supporting evidence for a benign role. To our knowledge, no experimental evidence demonstrating an impact on protein function has been reported. Six ClinVar submitters (evaluation after 2014) have cited the variant four times as likely benign and twice as uncertain significance. Based on the evidence outlined above, the variant was classified as benign.

Center for Advanced Laboratory Medicine, UC San Diego Health, University of California San Diego
Classification: Likely benign for Ventricular tachycardia. Last evaluated: 2019-04-01. Review status: criteria provided, single submitter. Criteria: ACMG Guidelines, 2015. Collection method: clinical testing. Allele origin: germline. Affected: yes. Observed: 2 variant alleles.

Illumina Laboratory Services, Illumina
Classification: Uncertain significance for Autosomal recessive limb-girdle muscular dystrophy type 2J. Last evaluated: 2018-01-13. Review status: criteria provided, single submitter. Criteria: ICSL Variant Classification Criteria 13 December 2019. Collection method: clinical testing. Allele origin: germline.

Illumina Laboratory Services, Illumina
Classification: Benign for Tibial muscular dystrophy. Last evaluated: 2018-01-13. Review status: criteria provided, single submitter. Criteria: ICSL Variant Classification Criteria 13 December 2019. Collection method: clinical testing. Allele origin: germline.
Comment: This variant was observed in the ICSL laboratory as part of a predisposition screen in an ostensibly healthy population. It had not been previously curated by ICSL or reported in the Human Gene Mutation Database (HGMD: prior to June 1st, 2018), and was therefore a candidate for classification through an automated scoring system. Utilizing variant allele frequency, disease prevalence and penetrance estimates, and inheritance mode, an automated score was calculated to assess if this variant is too frequent to cause the disease. Based on the score and internal cut-off values, a variant classified as benign is not then subjected to further curation. The score for this variant resulted in a classification of benign for this disease.

Illumina Laboratory Services, Illumina
Classification: Uncertain significance for Dilated cardiomyopathy 1G. Last evaluated: 2018-01-13. Review status: criteria provided, single submitter. Criteria: ICSL Variant Classification Criteria 13 December 2019. Collection method: clinical testing. Allele origin: germline.

Illumina Laboratory Services, Illumina
Classification: Benign for Myopathy, myofibrillar, 9, with early respiratory failure. Last evaluated: 2018-01-13. Review status: criteria provided, single submitter. Criteria: ICSL Variant Classification Criteria 13 December 2019. Collection method: clinical testing. Allele origin: germline.
Comment: the same text as in the submission from Illumina Laboratory Services, Illumina above.

Illumina Laboratory Services, Illumina
Classification: Uncertain significance for Early-onset myopathy with fatal cardiomyopathy. Last evaluated: 2018-01-13. Review status: criteria provided, single submitter. Criteria: ICSL Variant Classification Criteria 13 December 2019. Collection method: clinical testing. Allele origin: germline.

Eurofins Ntd Llc (ga)
Classification: Uncertain significance. Last evaluated: 2017-01-18. Review status: criteria provided, single submitter. Criteria: EGL Classification Definitions 2015. Collection method: clinical testing. Allele origin: germline. Observed: 2 variant alleles, 2 heterozygotes.

Laboratory for Molecular Medicine, Mass General Brigham Personalized Medicine
Classification: Likely benign. Last evaluated: 2015-06-22. Review status: criteria provided, single submitter. Criteria: LMM Criteria. Collection method: clinical testing. Allele origin: germline. Observed: 2 variant alleles.
Comment: c.51640+3G>A in intron 249 of TTN: This variant is not expected to have clinica l significance because it does not cause the splice site sequence to diverge fro m consensus. It has also been identified in 0.3% (21/8450) of East Asian chromos omes by the Exome Aggregation Consortium (dbSNP rs142095604).

GeneDx
Classification: Benign. Last evaluated: 2014-04-22. Review status: criteria provided, single submitter. Criteria: GeneDx Variant Classification (06012015). Collection method: clinical testing. Allele origin: germline. Affected: yes.
Comment: This variant is considered likely benign or benign based on one or more of the following criteria: it is a conservative change, it occurs at a poorly conserved position in the protein, it is predicted to be benign by multiple in silico algorithms, and/or has population frequency not consistent with disease.

Clinical Genetics DNA and cytogenetics Diagnostics Lab, Erasmus MC, Erasmus Medical Center
Classification: Likely benign. Review status: no assertion criteria provided. Collection method: clinical testing. Allele origin: germline. Affected: yes. Study: VKGL Data-share Consensus. Not counted in ClinVar's aggregate classification.

Clinical Genetics, Academic Medical Center
Classification: Benign. Review status: no assertion criteria provided. Collection method: clinical testing. Allele origin: germline. Affected: yes. Study: VKGL Data-share Consensus. Not counted in ClinVar's aggregate classification.

Diagnostic Laboratory, Department of Genetics, University Medical Center Groningen
Classification: Likely benign. Review status: no assertion criteria provided. Collection method: clinical testing. Allele origin: germline. Affected: yes. Study: VKGL Data-share Consensus. Not counted in ClinVar's aggregate classification.

Genome Diagnostics Laboratory, University Medical Center Utrecht
Classification: Likely benign. Review status: no assertion criteria provided. Collection method: clinical testing. Allele origin: germline. Affected: yes. Study: VKGL Data-share Consensus. Not counted in ClinVar's aggregate classification.

Literature cited by the submitters: PubMed 28822653 (cited by Women's Health and Genetics/Laboratory Corporation of America, LabCorp).

NM_001267550.2(TTN):c.59344+3G>A

Genes: TTN (titin; minus strand), TTN-AS1 (TTN antisense RNA 1; plus strand), LOC126806424 (CDK7 strongly-dependent group 2 enhancer GRCh37_chr2:179456337-179457536; plus strand). Cytogenetic location: 2q31.2.
Variant type: single nucleotide variant.
Coding change: c.59344+3G>A on transcript NM_001267550.2 (MANE Select); 3 bases into the intron after coding-DNA position 59344, G replaced by A.
Molecular consequence: intron variant.
Genome position (GRCh38, 1-based): chr2:178,592,772, C>T on the plus strand (G>A on the coding strand, the complement: TTN is on the minus strand). VCF-style: chr2-178592772-C-T. GRCh37 (hg19) VCF-style: chr2-179457499-C-T.
Other names: c.32149+3G>A (NM_003319.4); c.32725+3G>A (NM_133437.4); c.32524+3G>A (NM_133432.3); c.51640+3G>A (NM_133378.4); c.54421+3G>A (NM_001256850.1).
Identifiers: ClinVar variation 137799 (VCV000137799.44), dbSNP rs142095604, ClinGen allele CA211129.